The following is an entry in ClinVar:

NM_001303.4(COX10):c.661A>G (p.Thr221Ala)

Gene: COX10 (cytochrome c oxidase assembly factor heme A:farnesyltransferase COX10; plus strand). Cytogenetic location: 17p12.
Variant type: single nucleotide variant.
Coding change: c.661A>G on transcript NM_001303.4 (MANE Select); coding-DNA position 661, A replaced by G.
Protein change: p.Thr221Ala; replaces threonine 221 with alanine.
Molecular consequence: missense variant.
Genome position (GRCh38, 1-based): chr17:14,159,913, A>G. VCF-style: chr17-14159913-A-G. GRCh37 (hg19) VCF-style: chr17-14063230-A-G.
Other names: short protein forms T221A.
Identifiers: ClinVar variation 807585 (VCV000807585.5), dbSNP rs1597527946, ClinGen allele CA398250378.

ClinVar aggregate classification (germline): Likely pathogenic (1 of 4 stars; one submission).

Conditions:
Mitochondrial complex IV deficiency, nuclear type 1 (MC4DN1). Also called: Mitochondrial complex IV deficiency; Complex 4 mitochondrial respiratory chain deficiency; Deficiency of mitochondrial respiratory chain complex4; Complex IV deficiency; COX DEFICIENCY. Identifiers: MedGen C5435656, MONDO:0700250, OMIM 220110. Disease mechanism: loss of function.

Submissions (2):

Institute of Human Genetics Munich, TUM University Hospital
Classification: Likely pathogenic for Mitochondrial complex IV deficiency, nuclear type 1. Last evaluated: 2018-08-20. Review status: criteria provided, single submitter. Criteria: Classification criteria August 2017. Collection method: clinical testing. Allele origin: de novo. Inheritance: Autosomal recessive inheritance. Affected: yes. Observed: 1 compound heterozygote.

Johnston Lab, North Central College
No classification provided (evidence only). Review status: no classification provided. Collection method: in vitro. Allele origin: not applicable. Functional consequence: functionally_normal. Not counted in ClinVar's aggregate classification.
ClinVar note: "not provided" was previously submitted as the classification for the variant. However, the classification appeared to be based only on an observation of functional data so it was converted to no classification on 2025-07-30.